The following is an entry in ClinVar:

NM_015046.7(SETX):c.7930_7932del (p.Glu2644del)

Gene: SETX (senataxin; minus strand). Cytogenetic location: 9q34.13.
Variant type: Deletion.
Coding change: c.7930_7932del on transcript NM_015046.7 (MANE Select); coding-DNA positions 7930 to 7932, 3 bases deleted (GAG; older notation c.7930_7932delGAG).
Protein change: p.Glu2644del; deletes glutamic acid 2644.
Genome position (GRCh38, 1-based): chr9:132,264,341-132,264,343, CTC deleted on the plus strand (GAG on the coding strand, the reverse complement: SETX is on the minus strand); deleting any 3 consecutive bases within chr9:132,264,341-132,264,345 gives the same sequence; the c. name uses the placement nearest the transcript's 3' end. VCF-style (leftmost placement, unchanged base first): chr9-132264340-TCTC-T. GRCh37 (hg19) VCF-style: chr9-135139727-TCTC-T.
Other names: c.7930_7932del, p.Glu2644del (NM_001351527.2); c.8017_8019del, p.Glu2673del (NM_001351528.2); short protein forms E2644del, E2673del.
Identifiers: ClinVar variation 4793953 (VCV004793953.1).

ClinVar aggregate classification (germline): Uncertain significance (1 of 4 stars; one submission).

Conditions:
Spinocerebellar ataxia, autosomal recessive, with axonal neuropathy 2 (SCAN2). Also called: Ataxia-ocular apraxia-2; Ataxia with Oculomotor Apraxia Type 2; Ataxia with Oculomotor Apraxia; ATAXIA-OCULOMOTOR APRAXIA 2. Identifiers: Orphanet 64753, MedGen C1853761, MONDO:0018996, OMIM 606002.
Amyotrophic lateral sclerosis type 4 (ALS4). Also called: NEURONOPATHY, DISTAL HEREDITARY MOTOR, WITH PYRAMIDAL FEATURES; AMYOTROPHIC LATERAL SCLEROSIS 4, JUVENILE. Identifiers: Orphanet 357043, MedGen C1865409, MONDO:0011223, OMIM 602433.

Submission:

Labcorp Genetics (formerly Invitae), Labcorp
Classification: Uncertain significance for Amyotrophic lateral sclerosis type 4; Spinocerebellar ataxia, autosomal recessive, with axonal neuropathy 2. Last evaluated: 2025-08-30. Review status: criteria provided, single submitter. Criteria: Invitae Variant Classification Sherloc (09022015). Collection method: clinical testing. Allele origin: germline.
Comment: This variant, c.7930_7932del, results in the deletion of 1 amino acid(s) of the SETX protein (p.Glu2644del), but otherwise preserves the integrity of the reading frame. This variant is present in population databases (no rsID available, gnomAD 0.006%). This variant has not been reported in the literature in individuals affected with SETX-related conditions. Experimental studies and prediction algorithms are not available or were not evaluated, and the functional significance of this variant is currently unknown. In summary, the available evidence is currently insufficient to determine the role of this variant in disease. Therefore, it has been classified as a Variant of Uncertain Significance.